The following is an entry in ClinVar:

ClinVar aggregate classification (germline): Pathogenic/Likely pathogenic. Review status: criteria provided, multiple submitters, no conflicts (2 of 4 stars). 4 submissions from 4 submitters: Pathogenic (2); Likely pathogenic (1). 1 of the submissions does not count toward it. Last evaluated 2025-12-20.

Conditions:
Inborn genetic diseases. Identifiers: MedGen C0950123, MeSH D030342.
Retinal dystrophy. Also called: Inherited retinal dystrophy. Identifiers: Orphanet 71862, MedGen C0854723, MeSH D058499, MONDO:0019118, HP:0000556.
Exudative vitreoretinopathy 4, autosomal recessive. Identifiers: MedGen C4016839.

Allele frequency attached by ClinVar (database versions not stated): TOPMed 0.00001; gnomAD 0.00001; gnomAD exomes below 0.00001.
gnomAD v4.1: 6 of 1,614,054 alleles (0.00037%); highest among the groups gnomAD compares: Non-Finnish European, 0.00051%; no homozygotes.

Submissions (4):

Labcorp Genetics (formerly Invitae), Labcorp
Classification: Pathogenic. Last evaluated: 2025-12-20. Review status: criteria provided, single submitter. Criteria: Invitae Variant Classification Sherloc (09022015). Collection method: clinical testing. Allele origin: germline.
Comment: This sequence change replaces arginine, which is basic and polar, with glutamine, which is neutral and polar, at codon 570 of the LRP5 protein (p.Arg570Gln). This variant is not present in population databases (gnomAD no frequency). This missense change has been observed in individual(s) with exudative vitreoretinopathy and/or vision impairment (PMID: 15346351, 30894705, 35754085). In at least one individual the data is consistent with being in trans (on the opposite chromosome) from a pathogenic variant. It has also been observed to segregate with disease in related individuals. ClinVar contains an entry for this variant (Variation ID: 6289). Invitae Evidence Modeling of protein sequence and biophysical properties (such as structural, functional, and spatial information, amino acid conservation, physicochemical variation, residue mobility, and thermodynamic stability) has been performed for this missense variant. However, the output from this modeling did not meet the statistical confidence thresholds required to predict the impact of this variant on LRP5 protein function. For these reasons, this variant has been classified as Pathogenic.

Institute of Human Genetics, Univ. Regensburg, Univ. Regensburg
Classification: Likely pathogenic for Retinal dystrophy. Last evaluated: 2019-01-01. Review status: criteria provided, single submitter. Criteria: ACMG Guidelines, 2015. Collection method: clinical testing. Allele origin: germline. Affected: yes.

Ambry Genetics
Classification: Pathogenic for Inborn genetic diseases. Last evaluated: 2017-05-02. Review status: criteria provided, single submitter. Criteria: Ambry exome assertion method (8-5-2015). Collection method: clinical testing. Allele origin: germline. Affected: yes. Observed: 1 variant allele.

OMIM
Classification: Pathogenic for EXUDATIVE VITREORETINOPATHY 4, AUTOSOMAL RECESSIVE. Last evaluated: 2004-11-01. Review status: no assertion criteria provided. Collection method: literature only. Allele origin: germline. Not counted in ClinVar's aggregate classification.

Literature cited by the submitters: PubMed 15346351 (cited by 4 submitters); PubMed 30894705 (cited by Labcorp Genetics (formerly Invitae), Labcorp and Institute of Human Genetics, Univ. Regensburg, Univ. Regensburg); PubMed 35754085 (cited by Labcorp Genetics (formerly Invitae), Labcorp and Institute of Human Genetics, Univ. Regensburg, Univ. Regensburg); PubMed 28420620 (cited by Institute of Human Genetics, Univ. Regensburg, Univ. Regensburg); PubMed 31589614 (cited by Institute of Human Genetics, Univ. Regensburg, Univ. Regensburg); PubMed 9831343 (cited by Ambry Genetics and OMIM).

NM_002335.4(LRP5):c.1709G>A (p.Arg570Gln)

Gene: LRP5 (LDL receptor related protein 5; plus strand). Cytogenetic location: 11q13.2.
Variant type: single nucleotide variant.
Coding change: c.1709G>A on transcript NM_002335.4 (MANE Select); coding-DNA position 1709, G replaced by A.
Protein change: p.Arg570Gln; replaces arginine 570 with glutamine.
Molecular consequence: missense variant. On other transcripts: 5 prime UTR variant (1).
Genome position (GRCh38, 1-based): chr11:68,403,607, G>A. VCF-style: chr11-68403607-G-A. GRCh37 (hg19) VCF-style: chr11-68171075-G-A.
Other names: c.-229G>A (NM_001291902.2); short protein forms R570Q.
Identifiers: ClinVar variation 6289 (VCV000006289.8), dbSNP rs80358312, ClinGen allele CA118104.